The following is an entry in ClinVar:

NM_001378030.1(CCDC78):c.1133+3G>C

Gene: CCDC78 (coiled-coil domain containing 78; minus strand). Cytogenetic location: 16p13.3.
Variant type: single nucleotide variant.
Coding change: c.1133+3G>C on transcript NM_001378030.1 (MANE Select); 3 bases into the intron after coding-DNA position 1133, G replaced by C.
Molecular consequence: intron variant.
Genome position (GRCh38, 1-based): chr16:723,854, C>G on the plus strand (G>C on the coding strand, the complement: CCDC78 is on the minus strand). VCF-style: chr16-723854-C-G. GRCh37 (hg19) VCF-style: chr16-773854-C-G.
Other names: c.566+3G>C (NM_001378033.1); c.953+468G>C (NM_001378031.1); c.1133+3G>C (NM_001031737.3).
Identifiers: ClinVar variation 2811387 (VCV002811387.3), dbSNP rs1454050882, ClinGen allele CA723497661.
Genomic context (GRCh38, chr16:723,854, plus strand): 5'-TGCAGGCGTTGTGCTCTCTGCTCATCCCCCACAGGCCTCCCCCACACCCATGAGGGCACT[C>G]ACTGTGGCTCTGATGTTCCCCCCTGGGAGGCTCCACCGGGTCTCTTTTTTGGGGATGAGA-3'

ClinVar aggregate classification (germline): Uncertain significance (1 of 4 stars; one submission).

Conditions:
Congenital myopathy with internal nuclei and atypical cores. Also called: Myopathy, centronuclear, 4. Identifiers: Orphanet 319160, MedGen C4707232, MONDO:0013890, OMIM 614807.

Submission:

Labcorp Genetics (formerly Invitae), Labcorp
Classification: Uncertain significance for Congenital myopathy with internal nuclei and atypical cores. Last evaluated: 2023-07-16. Review status: criteria provided, single submitter. Criteria: Invitae Variant Classification Sherloc (09022015). Collection method: clinical testing. Allele origin: germline.
Comment: This variant is not present in population databases (gnomAD no frequency). In summary, the available evidence is currently insufficient to determine the role of this variant in disease. Therefore, it has been classified as a Variant of Uncertain Significance. Variants that disrupt the consensus splice site are a relatively common cause of aberrant splicing (PMID: 17576681, 9536098). Algorithms developed to predict the effect of sequence changes on RNA splicing suggest that this variant may disrupt the consensus splice site. This variant has not been reported in the literature in individuals affected with CCDC78-related conditions. This sequence change falls in intron 11 of the CCDC78 gene. It does not directly change the encoded amino acid sequence of the CCDC78 protein. It affects a nucleotide within the consensus splice site.

Literature cited by the submitters: PubMed 17576681; PubMed 9536098.